The following is an entry in ClinVar:

NM_003036.4(SKI):c.312A>T (p.Val104=)

Gene: SKI (SKI proto-oncogene; plus strand). Cytogenetic location: 1p36.33.
Variant type: single nucleotide variant.
Coding change: c.312A>T on transcript NM_003036.4 (MANE Select); coding-DNA position 312, A replaced by T.
Protein change: p.Val104=; no amino-acid change (valine 104 retained).
Molecular consequence: synonymous variant.
Genome position (GRCh38, 1-based): chr1:2,229,078, A>T. VCF-style: chr1-2229078-A-T. GRCh37 (hg19) VCF-style: chr1-2160517-A-T.
Other names: p.Val104=.
Identifiers: ClinVar variation 227947 (VCV000227947.38), dbSNP rs368195821, ClinGen allele CA536367.
Genomic context (GRCh38, chr1:2,229,078, plus strand): 5'-CGTGCTGCCCGGGCCCTTCTTCATGCCGTCCGACCGCTCCACCGAGCGCTGCGAGACCGT[A>T]CTGGAAGGCGAGACCATCTCGTGCTTCGTGGTGGGAGGCGAGAAGCGCCTGTGTCTGCCG-3'
Protein context (NP_003027.1, residues 94-114): SDRSTERCET[Val104=]LEGETISCFV

ClinVar aggregate classification (germline): Likely benign. Review status: criteria provided, multiple submitters, no conflicts (2 of 4 stars). 8 submissions from 8 submitters: Likely benign (6). 2 of the submissions do not count toward it. Last evaluated 2026-07-01.

Conditions:
Familial thoracic aortic aneurysm and aortic dissection (TAAD). Also called: Thoracic aortic aneurysms and dissections. Identifiers: Orphanet 91387, MedGen C4707243, MONDO:0019625.
Shprintzen-Goldberg syndrome (SGS). Also called: Marfanoid disorder with craniosynostosis type 1; Marfanoid craniosynostosis syndrome; Shprintzen-Goldberg marfanoid syndrome; SHPRINTZEN-GOLDBERG CRANIOSYNOSTOSIS SYNDROME; CRANIOSYNOSTOSIS WITH ARACHNODACTYLY AND ABDOMINAL HERNIAS. Identifiers: Orphanet 2462, MedGen C1321551, MONDO:0008426, OMIM 182212.

Allele frequency attached by ClinVar (database versions not stated): gnomAD 0.00006 and 0.00029; ExAC 0.00007; ESP Exome Variant Server 0.00015; TOPMed 0.00032.
gnomAD v4.1: 120 of 1,608,090 alleles (0.0075%); highest among the groups gnomAD compares: Non-Finnish European, 0.0071%; no homozygotes.

Submissions (8):

CeGaT Center for Human Genetics Tuebingen
Classification: Likely benign. Last evaluated: 2026-07-01. Review status: criteria provided, single submitter. Criteria: CeGaT Center For Human Genetics Tuebingen Variant Classification Criteria Version 2. Collection method: clinical testing. Allele origin: germline. Affected: yes. Observed: 2 variant alleles.
Comment: SKI: BP4, BP7

Labcorp Genetics (formerly Invitae), Labcorp
Classification: Likely benign for Shprintzen-Goldberg syndrome. Last evaluated: 2025-11-01. Review status: criteria provided, single submitter. Criteria: Invitae Variant Classification Sherloc (09022015). Collection method: clinical testing. Allele origin: germline.

Mayo Clinic Laboratories, Mayo Clinic
Classification: Likely benign. Last evaluated: 2025-05-29. Review status: criteria provided, single submitter. Criteria: ACMG Guidelines, 2015. Collection method: clinical testing. Allele origin: germline. Observed: 2 variant alleles.
Comment: BP4, BP7

Ambry Genetics
Classification: Likely benign for Familial thoracic aortic aneurysm and aortic dissection. Last evaluated: 2022-08-17. Review status: criteria provided, single submitter. Criteria: Ambry Variant Classification Scheme 2023. Collection method: clinical testing. Allele origin: germline.

GeneDx
Classification: Likely benign. Last evaluated: 2020-09-23. Review status: criteria provided, single submitter. Criteria: GeneDx Variant Classification Process June 2021. Collection method: clinical testing. Allele origin: germline. Affected: yes.

Laboratory for Molecular Medicine, Mass General Brigham Personalized Medicine
Classification: Likely benign. Last evaluated: 2015-08-11. Review status: criteria provided, single submitter. Criteria: LMM Criteria. Collection method: clinical testing. Allele origin: germline. Observed: 1 variant allele.
Comment: p.Val104Val in exon 1 of SKI: This variant is not expected to have clinical sign ificance because it does not alter an amino acid residue and is not located with in the splice consensus sequence. It has been identified in 8/61614 European chr omosomes by the Exome Aggregation Consortium (ExAC, rg/; dbSNP rs368195821).

Genome Diagnostics Laboratory, Amsterdam University Medical Center
Classification: Likely benign. Review status: no assertion criteria provided. Collection method: clinical testing. Allele origin: germline. Affected: yes. Study: VKGL Data-share Consensus. Not counted in ClinVar's aggregate classification.

Joint Genome Diagnostic Labs from Nijmegen and Maastricht, Radboudumc and MUMC+
Classification: Likely benign. Review status: no assertion criteria provided. Collection method: clinical testing. Allele origin: germline. Affected: yes. Study: VKGL Data-share Consensus. Not counted in ClinVar's aggregate classification.